The following is an entry in ClinVar:

NM_000523.4(HOXD13):c.419T>G (p.Met140Arg)

Gene: HOXD13 (homeobox D13; plus strand). Cytogenetic location: 2q31.1.
Variant type: single nucleotide variant.
Coding change: c.419T>G on transcript NM_000523.4 (MANE Select); coding-DNA position 419, T replaced by G.
Protein change: p.Met140Arg; replaces methionine 140 with arginine.
Molecular consequence: missense variant.
Genome position (GRCh38, 1-based): chr2:176,093,309, T>G. VCF-style: chr2-176093309-T-G. GRCh37 (hg19) VCF-style: chr2-176958037-T-G.
Other names: short protein forms M140R.
Identifiers: ClinVar variation 3718035 (VCV003718035.2).
Genomic context (GRCh38, chr2:176,093,309, plus strand): 5'-CGAGCGCTCCAGCGCTGGGCTACGGCTACCACTTCGGCAACGGCTACTACAGCTGCCGTA[T>G]GTCGCACGGCGTGGGCTTACAGCAGAATGCGCTCAAGTCATCGCCGCACGCCTCGCTGGG-3'
Protein context (NP_000514.2, residues 130-150): HFGNGYYSCR[Met140Arg]SHGVGLQQNA

ClinVar aggregate classification (germline): Uncertain significance (1 of 4 stars; one submission).

Submission:

Labcorp Genetics (formerly Invitae), Labcorp
Classification: Uncertain significance. Last evaluated: 2025-01-06. Review status: criteria provided, single submitter. Criteria: Invitae Variant Classification Sherloc (09022015). Collection method: clinical testing. Allele origin: germline.
Comment: This sequence change replaces methionine, which is neutral and non-polar, with arginine, which is basic and polar, at codon 140 of the HOXD13 protein (p.Met140Arg). This variant is present in population databases (no rsID available, gnomAD 0.003%). This variant has not been reported in the literature in individuals affected with HOXD13-related conditions. Invitae Evidence Modeling of protein sequence and biophysical properties (such as structural, functional, and spatial information, amino acid conservation, physicochemical variation, residue mobility, and thermodynamic stability) indicates that this missense variant is not expected to disrupt HOXD13 protein function with a negative predictive value of 80%. In summary, the available evidence is currently insufficient to determine the role of this variant in disease. Therefore, it has been classified as a Variant of Uncertain Significance.